The following is an entry in ClinVar:

NM_005051.3(QARS1):c.1390C>T (p.Arg464Cys)

Gene: QARS1 (glutaminyl-tRNA synthetase 1; minus strand). Cytogenetic location: 3p21.31.
Variant type: single nucleotide variant.
Coding change: c.1390C>T on transcript NM_005051.3 (MANE Select); coding-DNA position 1390, C replaced by T.
Protein change: p.Arg464Cys; replaces arginine 464 with cysteine.
Molecular consequence: missense variant. On other transcripts: non-coding transcript variant (1).
Genome position (GRCh38, 1-based): chr3:49,099,646, G>A on the plus strand (C>T on the coding strand, the complement: QARS1 is on the minus strand). VCF-style: chr3-49099646-G-A. GRCh37 (hg19) VCF-style: chr3-49137079-G-A.
Other names: c.1357C>T, p.Arg453Cys (NM_001272073.2); short protein forms R464C, R453C.
Identifiers: ClinVar variation 1042852 (VCV001042852.3), dbSNP rs141072684, ClinGen allele CA2391757.
Genomic context (GRCh38, chr3:49,099,646, plus strand): 5'-ACTCCCACTGCACAGGGCAATAGACGTCCAGTGCATTGCAAAGCCAGAAGTAGGAAGAGC[G>A]TCTGGGGTGGGAGAGTAGGGTTAGCACTGGCCAGCTCTGGAACCAGGCAGAGACCACAGG-3'
Protein context (NP_005042.1, residues 454-474): SLCTKEFQAR[Arg464Cys]SSYFWLCNAL

ClinVar aggregate classification (germline): Uncertain significance (1 of 4 stars; one submission).

Conditions:
Diffuse cerebral and cerebellar atrophy - intractable seizures - progressive microcephaly syndrome. Also called: Microcephaly, progressive, with seizures and cerebral and cerebellar atrophy. Identifiers: Orphanet 404437, MedGen C4014239, MONDO:0014335, OMIM 615760.

Allele frequency attached by ClinVar (database versions not stated): gnomAD exomes below 0.00001 and 0.00001; ExAC 0.00001; gnomAD 0.00001; ESP Exome Variant Server 0.00008.
gnomAD v4.1: 8 of 1,613,968 alleles (0.0005%); highest among the groups gnomAD compares: African/African-American, 0.0027%; no homozygotes.

Submission:

Labcorp Genetics (formerly Invitae), Labcorp
Classification: Uncertain significance for Diffuse cerebral and cerebellar atrophy - intractable seizures - progressive microcephaly syndrome. Last evaluated: 2020-03-18. Review status: criteria provided, single submitter. Criteria: Invitae Variant Classification Sherloc (09022015). Collection method: clinical testing. Allele origin: germline.
Comment: In summary, the available evidence is currently insufficient to determine the role of this variant in disease. Therefore, it has been classified as a Variant of Uncertain Significance. Algorithms developed to predict the effect of missense changes on protein structure and function (SIFT, PolyPhen-2, Align-GVGD) all suggest that this variant is likely to be disruptive, but these predictions have not been confirmed by published functional studies and their clinical significance is uncertain. This variant has not been reported in the literature in individuals with QARS-related conditions. This variant is present in population databases (rs141072684, ExAC 0.01%). This sequence change replaces arginine with cysteine at codon 464 of the QARS protein (p.Arg464Cys). The arginine residue is highly conserved and there is a large physicochemical difference between arginine and cysteine.